The following is an entry in ClinVar:

NM_014797.3(ZBTB24):c.337G>C (p.Ala113Pro)

Gene: ZBTB24 (zinc finger and BTB domain containing 24; minus strand). Cytogenetic location: 6q21.
Variant type: single nucleotide variant.
Coding change: c.337G>C on transcript NM_014797.3 (MANE Select); coding-DNA position 337, G replaced by C.
Protein change: p.Ala113Pro; replaces alanine 113 with proline.
Molecular consequence: missense variant.
Genome position (GRCh38, 1-based): chr6:109,481,690, C>G on the plus strand (G>C on the coding strand, the complement: ZBTB24 is on the minus strand). VCF-style: chr6-109481690-C-G. GRCh37 (hg19) VCF-style: chr6-109802893-C-G.
Other names: c.337G>C, p.Ala113Pro (NM_001164313.2); short protein forms A113P.
Identifiers: ClinVar variation 2046501 (VCV002046501.4), dbSNP rs1191699166, ClinGen allele CA365210651.
Genomic context (GRCh38, chr6:109,481,690, plus strand): 5'-TATGATTATTTTGGAAGTCTGTGTAAGCCTTTACCAGGTCATAGACTTTTAAGAACTGAG[C>G]AGTAGCCAGGATTTGTTCTGTACTTTTCTCACTGGCATGGAGATAACCTGTGTAGATAAA-3'
Protein context (NP_055612.2, residues 103-123): EKSTEQILAT[Ala113Pro]QFLKVYDLVK

ClinVar aggregate classification (germline): Uncertain significance (1 of 4 stars; one submission).

Conditions:
Immunodeficiency-centromeric instability-facial anomalies syndrome 2 (ICF2). Identifiers: Orphanet 2268, MedGen C3279748, MONDO:0013553, OMIM 614069.

Submission:

Labcorp Genetics (formerly Invitae), Labcorp
Classification: Uncertain significance for Immunodeficiency-centromeric instability-facial anomalies syndrome 2. Last evaluated: 2021-12-18. Review status: criteria provided, single submitter. Criteria: Invitae Variant Classification Sherloc (09022015). Collection method: clinical testing. Allele origin: germline.
Comment: In summary, the available evidence is currently insufficient to determine the role of this variant in disease. Therefore, it has been classified as a Variant of Uncertain Significance. Algorithms developed to predict the effect of missense changes on protein structure and function are either unavailable or do not agree on the potential impact of this missense change (SIFT: "Not Available"; PolyPhen-2: "Probably Damaging"; Align-GVGD: "Not Available"). This variant has not been reported in the literature in individuals affected with ZBTB24-related conditions. This variant is not present in population databases (gnomAD no frequency). This sequence change replaces alanine, which is neutral and non-polar, with proline, which is neutral and non-polar, at codon 113 of the ZBTB24 protein (p.Ala113Pro).